The following is an entry in ClinVar:

ClinVar aggregate classification (germline): Conflicting classifications of pathogenicity. Review status: criteria provided, conflicting classifications (1 of 4 stars). 2 submissions from 2 submitters: Pathogenic (1); Uncertain significance (1). Last evaluated 2025-06-09.

Allele frequency attached by ClinVar (database versions not stated): gnomAD 0.00001; TOPMed 0.00001.
gnomAD v4.1: 5 of 1,614,038 alleles (0.00031%); highest among the groups gnomAD compares: Non-Finnish European, 0.00042%; no homozygotes.

Submissions (2):

Revvity Omics, Revvity
Classification: Uncertain significance. Last evaluated: 2025-06-09. Review status: criteria provided, single submitter. Criteria: ACMG Guidelines, 2015. Collection method: clinical testing. Allele origin: germline.

Labcorp Genetics (formerly Invitae), Labcorp
Classification: Pathogenic. Last evaluated: 2023-11-27. Review status: criteria provided, single submitter. Criteria: Invitae Variant Classification Sherloc (09022015). Collection method: clinical testing. Allele origin: germline.
Comment: This sequence change replaces alanine, which is neutral and non-polar, with aspartic acid, which is acidic and polar, at codon 452 of the ABCC6 protein (p.Ala452Asp). The frequency data for this variant in the population databases is considered unreliable, as metrics indicate poor data quality at this position in the gnomAD database. This missense change has been observed in individual(s) with pseudoxanthoma elasticum (PMID: 36317459; Invitae). In at least one individual the data is consistent with being in trans (on the opposite chromosome) from a pathogenic variant. Advanced modeling of protein sequence and biophysical properties (such as structural, functional, and spatial information, amino acid conservation, physicochemical variation, residue mobility, and thermodynamic stability) performed at Invitae indicates that this missense variant is expected to disrupt ABCC6 protein function with a positive predictive value of 95%. For these reasons, this variant has been classified as Pathogenic.

Literature cited by the submitters: PubMed 36317459 (cited by Labcorp Genetics (formerly Invitae), Labcorp).

NM_001171.6(ABCC6):c.1355C>A (p.Ala452Asp)

Gene: ABCC6 (ATP binding cassette subfamily C member 6; minus strand). Cytogenetic location: 16p13.11.
Variant type: single nucleotide variant.
Coding change: c.1355C>A on transcript NM_001171.6 (MANE Select); coding-DNA position 1355, C replaced by A.
Protein change: p.Ala452Asp; replaces alanine 452 with aspartic acid.
Molecular consequence: missense variant. On other transcripts: non-coding transcript variant (1).
Genome position (GRCh38, 1-based): chr16:16,192,906, G>T on the plus strand (C>A on the coding strand, the complement: ABCC6 is on the minus strand). VCF-style: chr16-16192906-G-T. GRCh37 (hg19) VCF-style: chr16-16286763-G-T.
Other names: c.1013C>A, p.Ala338Asp (NM_001351800.1); c.1355C>A (NM_001171.5); short protein forms A338D, A452D.
Identifiers: ClinVar variation 2904003 (VCV002904003.4), dbSNP rs1179736830, ClinGen allele CA394890106.